The following is an entry in ClinVar:

ClinVar aggregate classification (germline): Uncertain significance (1 of 4 stars; one submission).

Submission:

Labcorp Genetics (formerly Invitae), Labcorp
Classification: Uncertain significance. Last evaluated: 2023-07-28. Review status: criteria provided, single submitter. Criteria: Invitae Variant Classification Sherloc (09022015). Collection method: clinical testing. Allele origin: germline.
Comment: This sequence change creates a premature translational stop signal (p.Gly134Alafs*20) in the ALPK3 gene. It is unclear whether it will result in an absent or disrupted protein product because an in-frame methionine located at codon 203 has the potential to rescue this truncating variant. The frequency data for this variant in the population databases is considered unreliable, as metrics indicate poor data quality at this position in the gnomAD database. This variant has not been reported in the literature in individuals affected with ALPK3-related conditions. In summary, the available evidence is currently insufficient to determine the role of this variant in disease. Therefore, it has been classified as a Variant of Uncertain Significance.

NC_000015.10:g.84817245del

Gene: ALPK3 (alpha kinase 3; plus strand). Cytogenetic location: 15q25.3.
Variant type: Deletion.
Genome position: GRCh38 VCF-style: chr15-84817239-GC-G. GRCh37 (hg19) VCF-style: chr15-85360470-GC-G.
Identifiers: ClinVar variation 2739877 (VCV002739877.3), dbSNP rs769496975, ClinGen allele CA619855170.